The following is an entry in ClinVar:

ClinVar aggregate classification (germline): Uncertain significance (1 of 4 stars; one submission).

Conditions:
Early-infantile DEE. Also called: Ohtahara syndrome; Early infantile epileptic encephalopathy with suppression bursts; Early infantile epileptic encephalopathy. Identifiers: Orphanet 1934, MedGen C0393706, MONDO:0800491.

Allele frequency attached by ClinVar (database versions not stated): gnomAD exomes below 0.00001.
gnomAD v4.1: 1 of 1,610,726 alleles (0.000062%); highest among the groups gnomAD compares: Non-Finnish European, 0.000085%; no homozygotes.

Submission:

Labcorp Genetics (formerly Invitae), Labcorp
Classification: Uncertain significance for Early-infantile DEE. Last evaluated: 2023-11-24. Review status: criteria provided, single submitter. Criteria: Invitae Variant Classification Sherloc (09022015). Collection method: clinical testing. Allele origin: germline.
Comment: This sequence change replaces arginine, which is basic and polar, with leucine, which is neutral and non-polar, at codon 243 of the GNAO1 protein (p.Arg243Leu). This variant is not present in population databases (gnomAD no frequency). This variant has not been reported in the literature in individuals affected with GNAO1-related conditions. Advanced modeling of protein sequence and biophysical properties (such as structural, functional, and spatial information, amino acid conservation, physicochemical variation, residue mobility, and thermodynamic stability) performed at Invitae indicates that this missense variant is expected to disrupt GNAO1 protein function with a positive predictive value of 95%. In summary, the available evidence is currently insufficient to determine the role of this variant in disease. Therefore, it has been classified as a Variant of Uncertain Significance.

NM_020988.3(GNAO1):c.728G>T (p.Arg243Leu)

Gene: GNAO1 (G protein subunit alpha o1; plus strand). Cytogenetic location: 16q13.
Variant type: single nucleotide variant.
Coding change: c.728G>T on transcript NM_020988.3 (MANE Select); coding-DNA position 728, G replaced by T.
Protein change: p.Arg243Leu; replaces arginine 243 with leucine.
Molecular consequence: missense variant.
Genome position (GRCh38, 1-based): chr16:56,351,388, G>T. VCF-style: chr16-56351388-G-T. GRCh37 (hg19) VCF-style: chr16-56385300-G-T.
Other names: short protein forms R243L.
Identifiers: ClinVar variation 2698671 (VCV002698671.3), dbSNP rs2543427158, ClinGen allele CA395954582.
Genomic context (GRCh38, chr16:56,351,388, plus strand): 5'-GTCTCTGTGTCTCCCTCCCGCTGTCTGTCCTCTCTCCTCCCTTCCTGCGGCCGCAGAACC[G>T]CATGCACGAGTCTCTCATGCTCTTCGACTCCATCTGTAACAACAAGTTCTTCATCGATAC-3'
Protein context (NP_066268.1, residues 233-253): QVLHEDETTN[Arg243Leu]MHESLMLFDS